The following is an entry in ClinVar:

NM_012471.3(TRPC5):c.788G>A (p.Arg263Lys)

Gene: TRPC5 (transient receptor potential cation channel subfamily C member 5; minus strand). Cytogenetic location: Xq23.
Variant type: single nucleotide variant.
Coding change: c.788G>A on transcript NM_012471.3 (MANE Select); coding-DNA position 788, G replaced by A.
Protein change: p.Arg263Lys; replaces arginine 263 with lysine.
Molecular consequence: missense variant.
Genome position (GRCh38, 1-based): chrX:111,912,403, C>T on the plus strand (G>A on the coding strand, the complement: TRPC5 is on the minus strand). VCF-style: chrX-111912403-C-T. GRCh37 (hg19) VCF-style: chrX-111155631-C-T.
Other names: short protein forms R263K.
Identifiers: ClinVar variation 2216393 (VCV002216393.3), dbSNP rs140314400, ClinGen allele CA10494385.

ClinVar aggregate classification (germline): Uncertain significance. Review status: criteria provided, multiple submitters, no conflicts (2 of 4 stars). 2 submissions from 2 submitters: Uncertain significance (2). Last evaluated 2026-08-07.

Conditions:
TRPC5-related disorder. Also called: TRPC5-related condition.

Allele frequency attached by ClinVar (database versions not stated): gnomAD exomes 0.00001; ExAC 0.00006; TOPMed 0.00012; gnomAD 0.00014; ESP Exome Variant Server 0.00019.

Submissions (2):

PreventionGenetics, part of Exact Sciences
Classification: Uncertain significance for TRPC5-related condition. Last evaluated: 2026-08-07. Review status: criteria provided, single submitter. Criteria: ACMG Guidelines, 2015. Collection method: clinical testing. Allele origin: germline.
Comment: The TRPC5 c.788G>A variant is predicted to result in the amino acid substitution p.Arg263Lys. To our knowledge, this variant has not been reported in the literature. This variant is reported in 0.053% of alleles in individuals of African descent in gnomAD. Although we suspect that this variant may be benign, at this time, the clinical significance of this variant is uncertain due to the absence of conclusive functional and genetic evidence.

Ambry Genetics
Classification: Uncertain significance. Last evaluated: 2021-10-22. Review status: criteria provided, single submitter. Criteria: Ambry Variant Classification Scheme 2023. Collection method: clinical testing. Allele origin: germline.